The following is an entry in ClinVar:

ClinVar aggregate classification (germline): Pathogenic. Review status: reviewed by expert panel (3 of 4 stars). 2 submissions from 2 submitters: Pathogenic (1). 1 of the submissions does not count toward it. Last evaluated 2016-09-08.

Conditions:
Breast-ovarian cancer, familial, susceptibility to, 1 (BROVCA1). Also called: BRCA1 Hereditary Breast and Ovarian Cancer; OVARIAN CANCER, SUSCEPTIBILITY TO. Identifiers: Orphanet 145, MedGen C2676676, MONDO:0011450, OMIM 604370. Disease mechanism: loss of function.
Hereditary breast ovarian cancer syndrome. Also called: BRCA1- and BRCA2-Associated Hereditary Breast and Ovarian Cancer; Hereditary breast and ovarian cancer syndrome; Hereditary breast and ovarian cancer syndrome (HBOC); Breast and ovarian cancer; Hereditary breast and/or ovarian cancer syndrome; Hereditary breast and ovarian cancer. Identifiers: Orphanet 145, MedGen C0677776, MeSH D061325, MONDO:0003582. Disease mechanism: loss of function.

Submissions (2):

Evidence-based Network for the Interpretation of Germline Mutant Alleles (ENIGMA)
Classification: Pathogenic for Breast-ovarian cancer, familial, susceptibility to, 1. Last evaluated: 2016-09-08. Review status: reviewed by expert panel. Criteria: ENIGMA BRCA1/2 Classification Criteria (2015). Collection method: curation. Allele origin: germline.
Comment: Variant allele predicted to encode a truncated non-functional protein.

Research Molecular Genetics Laboratory, Women's College Hospital, University of Toronto
Classification: Pathogenic for Hereditary breast ovarian cancer syndrome. Last evaluated: 2014-01-31. Review status: no assertion criteria provided. Collection method: research. Allele origin: germline. Affected: yes. Study: The Canadian Open Genetics Repository (COGR). Not counted in ClinVar's aggregate classification.

NM_007294.4(BRCA1):c.4049dup (p.Glu1352fs)

Genes: BRCA1 (BRCA1 DNA repair associated; minus strand), LOC126862571 (BRD4-independent group 4 enhancer GRCh37_chr17:41243136-41244335; plus strand). Cytogenetic location: 17q21.31.
Variant type: Duplication.
Coding change: c.4049dup on transcript NM_007294.4 (MANE Select); coding-DNA position 4049, one base duplicated (G; older notation c.4049dupG).
Protein change: p.Glu1352fs; shifts the reading frame from glutamic acid 1352.
Molecular consequence: frameshift variant. On other transcripts: intron variant (135).
Genome position (GRCh38, 1-based): chr17:43,091,482, C duplicated on the plus strand (G on the coding strand, the reverse complement: BRCA1 is on the minus strand); the first of 3 consecutive C bases (chr17:43,091,482-43,091,484); duplicating any one gives the same sequence. VCF-style (leftmost placement, unchanged base first): chr17-43091481-G-GC. GRCh37 (hg19) VCF-style: chr17-41243498-G-GC.
Other names: c.3836dup, p.Glu1281fs (NM_001407571.1, NM_001407853.1, NM_001407894.1 and 9 more transcripts); c.4049dup, p.Glu1352fs (NM_001407581.1, NM_001407582.1, NM_001407583.1 and 30 more transcripts); c.4046dup, p.Glu1351fs (NM_001407587.1, NM_001407590.1, NM_001407591.1 and 22 more transcripts); c.3926dup, p.Glu1311fs (NM_001407648.1, NM_001407668.1, NM_001407669.1 and 19 more transcripts); c.3923dup, p.Glu1310fs (NM_001407649.1, NM_001407670.1, NM_001407671.1 and 11 more transcripts); c.3971dup, p.Glu1326fs (NM_001407653.1, NM_001407654.1, NM_001407655.1 and 4 more transcripts); c.3908dup, p.Glu1305fs (NM_001407692.1, NM_001407694.1, NM_001407730.1 and 29 more transcripts); c.3905dup, p.Glu1304fs (NM_001407748.1, NM_001407749.1, NM_001407838.1 and 20 more transcripts); and 42 more; short protein forms E1352fs, E1305fs, E1263fs, E1264fs, E1304fs, E484fs, E1224fs, E1225fs.
Identifiers: ClinVar variation 55086 (VCV000055086.4), dbSNP rs397509131, ClinGen allele CA327907.